The following is an entry in ClinVar:

ClinVar aggregate classification (germline): Uncertain significance (1 of 4 stars; one submission).

Conditions:
Hereditary cancer-predisposing syndrome. Also called: Tumor predisposition; Hereditary Cancer Syndrome; Neoplastic Syndromes, Hereditary; Hereditary neoplastic syndrome. Identifiers: Orphanet 140162, MedGen C0027672, MeSH D009386, MONDO:0015356.

Submission:

Ambry Genetics
Classification: Uncertain significance for Hereditary cancer-predisposing syndrome. Last evaluated: 2025-02-14. Review status: criteria provided, single submitter. Criteria: Ambry Variant Classification Scheme 2023. Collection method: clinical testing. Allele origin: germline.
Comment: The p.P281A variant (also known as c.841C>G), located in coding exon 4 of the BARD1 gene, results from a C to G substitution at nucleotide position 841. The proline at codon 281 is replaced by alanine, an amino acid with highly similar properties. This amino acid position is not well conserved in available vertebrate species. In addition, this alteration is predicted to be tolerated by in silico analysis. Since supporting evidence is limited at this time, the clinical significance of this alteration remains unclear.

NM_000465.4(BARD1):c.841C>G (p.Pro281Ala)

Gene: BARD1 (BRCA1 associated RING domain 1; minus strand). Cytogenetic location: 2q35.
Variant type: single nucleotide variant.
Coding change: c.841C>G on transcript NM_000465.4 (MANE Select); coding-DNA position 841, C replaced by G.
Protein change: p.Pro281Ala; replaces proline 281 with alanine.
Molecular consequence: missense variant. On other transcripts: non-coding transcript variant (2), intron variant (3).
Genome position (GRCh38, 1-based): chr2:214,781,033, G>C on the plus strand (C>G on the coding strand, the complement: BARD1 is on the minus strand). VCF-style: chr2-214781033-G-C. GRCh37 (hg19) VCF-style: chr2-215645757-G-C.
Other names: c.784C>G, p.Pro262Ala (NM_001282543.2); c.158+28379C>G (NM_001282548.2); c.215+16028C>G (NM_001282545.2); c.364+11264C>G (NM_001282549.2); short protein forms P262A, P281A.
Identifiers: ClinVar variation 822404 (VCV000822404.5), dbSNP rs200059956, ClinGen allele CA350455306.
Genomic context (GRCh38, chr2:214,781,033, plus strand): 5'-CAGGAGTCACTACTTCATTCCTGCTCTTAGTGTCTGGAGACTCTATTTGCTCAGCCAATG[G>C]TAAAGAGACTTCAGTTAAACTTCCAAAACATTCAGATTCTGTCAAGGAGCCACTTGCTAG-3'
Protein context (NP_000456.2, residues 271-291): CFGSLTEVSL[Pro281Ala]LAEQIESPDT